The following is an entry in ClinVar:

ClinVar aggregate classification (germline): Uncertain significance (1 of 4 stars; one submission).

Conditions:
Neurodevelopmental disorder with or without anomalies of the brain, eye, or heart (NEDBEH). Identifiers: Orphanet 494344, MedGen C5567477, MONDO:0014857, OMIM 616975.

gnomAD v4.1: 3 of 1,613,864 alleles (0.00019%); highest among the groups gnomAD compares: Admixed American, 0.0017%; no homozygotes.

Submission:

Neuberg Centre For Genomic Medicine, NCGM
Classification: Uncertain significance for Neurodevelopmental disorder with or without anomalies of the brain, eye, or heart. Last evaluated: 2023-07-22. Review status: criteria provided, single submitter. Criteria: ACMG Guidelines, 2015. Collection method: clinical testing. Allele origin: germline. Inheritance: Autosomal dominant inheritance. Affected: yes.
Comment: The missense variant c.1198G>A p.Glu400Lys in RERE gene has not been reported previously as a pathogenic variant nor as a benign variant, to our knowledge. The observed variant is absent in gnomAD exomes database. This variant has not been submitted to the ClinVar database. Multiple lines of computational evidence Polyphen - probably damaging, SIFT - damaging and MutationTaster - disease causing predict a damaging effect on protein structure and function for this variant. The amino acid change p.Glu400Lys in RERE is predicted as conserved by GERP++ and PhyloP across 100 vertebrates. The amino acid Glu at position 400 is changed to a Lys changing protein sequence and it might alter its composition and physico-chemical properties. For these reasons, this variant has been classified as uncertain Significance VUS.

NM_001042681.2(RERE):c.1198G>A (p.Glu400Lys)

Gene: RERE (arginine-glutamic acid dipeptide repeats; minus strand). Cytogenetic location: 1p36.23.
Variant type: single nucleotide variant.
Coding change: c.1198G>A on transcript NM_001042681.2 (MANE Select); coding-DNA position 1198, G replaced by A.
Protein change: p.Glu400Lys; replaces glutamic acid 400 with lysine.
Molecular consequence: missense variant.
Genome position (GRCh38, 1-based): chr1:8,465,930, C>T on the plus strand (G>A on the coding strand, the complement: RERE is on the minus strand). VCF-style: chr1-8465930-C-T. GRCh37 (hg19) VCF-style: chr1-8525990-C-T.
Other names: c.1198G>A, p.Glu400Lys (NM_012102.4); short protein forms E400K.
Identifiers: ClinVar variation 3391246 (VCV003391246.1).